The following is an entry in ClinVar:

NM_000368.5(TSC1):c.3324_3332del (p.Met1109_Ser1111del)

Gene: TSC1 (TSC complex subunit 1; minus strand). Cytogenetic location: 9q34.13.
Variant type: Deletion.
Coding change: c.3324_3332del on transcript NM_000368.5 (MANE Select); coding-DNA positions 3324 to 3332, 9 bases deleted (CATGACCAG; older notation c.3324_3332delCATGACCAG).
Protein change: p.Met1109_Ser1111del.
Molecular consequence: non-coding transcript variant (on NR_176214.1). On other transcripts: inframe indel (1).
Genome position (GRCh38, 1-based): chr9:132,896,398-132,896,406, CTGGTCATG deleted on the plus strand (CATGACCAG on the coding strand, the reverse complement: TSC1 is on the minus strand); deleting any 9 consecutive bases within chr9:132,896,398-132,896,407 gives the same sequence; the c. name uses the placement nearest the transcript's 3' end. VCF-style (leftmost placement, unchanged base first): chr9-132896397-ACTGGTCATG-A. GRCh37 (hg19) VCF-style: chr9-135771784-ACTGGTCATG-A.
Other names: c.3321_3329del, p.Met1108_Ser1110del (NM_001162426.2, NM_001406597.1, NM_001406598.1 and 2 more transcripts); c.3171_3179del, p.Met1058_Ser1060del (NM_001162427.2, NM_001406610.1); c.2961_2969del, p.Met988_Ser990del (NM_001362177.2, NM_001406614.1, NM_001406615.1 and 4 more transcripts); c.3324_3332del, p.Met1109_Ser1111del (NM_001406592.1, NM_001406593.1, NM_001406594.1 and 2 more transcripts); c.3309_3317del, p.Met1104_Ser1106del (NM_001406601.1, NM_001406602.1); c.3306_3314del, p.Met1103_Ser1105del (NM_001406603.1, NM_001406604.1); c.3282_3290del, p.Met1095_Ser1097del (NM_001406605.1, NM_001406606.1, NM_001406607.1); c.3279_3287del, p.Met1094_Ser1096del (NM_001406608.1, NM_001406609.1); and 9 more.
Identifiers: ClinVar variation 3974560 (VCV003974560.2).
Genomic context (GRCh38, chr9:132,896,397, plus strand): 5'-AATCTTGGCTTCCACACCCAAGTCTTTGCCCAGTTCTGTCTTTAGGCTCTCAGAAAGGCT[ACTGGTCATG>A]CCGTCCTCATCACACTGGCTCTCGCTCTTATTACGAAATAACTCTCGAGCCTTCATACCC-3'

ClinVar aggregate classification (germline): Uncertain significance (1 of 4 stars; one submission).

Conditions:
Hereditary cancer-predisposing syndrome. Also called: Neoplastic Syndromes, Hereditary; Tumor predisposition; Hereditary Cancer Syndrome; Hereditary neoplastic syndrome. Identifiers: Orphanet 140162, MedGen C0027672, MeSH D009386, MONDO:0015356.

Submission:

Ambry Genetics
Classification: Uncertain significance for Hereditary cancer-predisposing syndrome. Last evaluated: 2026-05-18. Review status: criteria provided, single submitter. Criteria: Ambry Variant Classification Scheme 2023. Collection method: clinical testing. Allele origin: germline.
Comment: The c.3324_3332delCATGACCAG () alteration is located in exon 23 (coding exon 21) of the TSC1 gene. This alteration consists of an in-frame deletion of 9 nucleotides between nucleotide positions c.3324 and c.3332, resulting in the deletion of 3 residues. This variant was not reported in population-based cohorts in the Genome Aggregation Database (gnomAD). Based on insufficient or conflicting evidence, the clinical significance of this alteration remains unclear.